The following is an entry in ClinVar:

ClinVar aggregate classification (germline): Uncertain significance (1 of 4 stars; one submission).

gnomAD v4.1: 29 of 1,614,084 alleles (0.0018%); highest among the groups gnomAD compares: South Asian, 0.032%; no homozygotes.

Submission:

GeneDx
Classification: Uncertain significance. Last evaluated: 2026-04-05. Review status: criteria provided, single submitter. Criteria: GeneDx Variant Classification Process June 2021. Collection method: clinical testing. Allele origin: germline.
Comment: In silico analysis suggests that this missense variant does not alter protein structure/function; Has not been previously published as pathogenic or benign to our knowledge

NM_002335.4(LRP5):c.1868C>G (p.Thr623Ser)

Gene: LRP5 (LDL receptor related protein 5; plus strand). Cytogenetic location: 11q13.2.
Variant type: single nucleotide variant.
Coding change: c.1868C>G on transcript NM_002335.4 (MANE Select); coding-DNA position 1868, C replaced by G.
Protein change: p.Thr623Ser; replaces threonine 623 with serine.
Molecular consequence: missense variant.
Genome position (GRCh38, 1-based): chr11:68,406,590, C>G. VCF-style: chr11-68406590-C-G. GRCh37 (hg19) VCF-style: chr11-68174058-C-G.
Other names: c.125C>G, p.Thr42Ser (NM_001291902.2); short protein forms T42S, T623S.
Identifiers: ClinVar variation 5017694 (VCV005017694.1).